The following is an entry in ClinVar:

ClinVar aggregate classification (germline): Uncertain significance (1 of 4 stars; one submission).

Conditions:
Familial colorectal cancer. Identifiers: MedGen CN280943, MONDO:0023113. Disease mechanism: loss of function.

Submission:

Labcorp Genetics (formerly Invitae), Labcorp
Classification: Uncertain significance for Familial colorectal cancer. Last evaluated: 2021-07-30. Review status: criteria provided, single submitter. Criteria: Invitae Variant Classification Sherloc (09022015). Collection method: clinical testing. Allele origin: germline.
Comment: A copy number gain of the genomic region encompassing the full coding sequence of the GREM1 gene has been identified. The boundaries of this event are unknown as they extend beyond the assayed region for this gene and therefore may encompass additional genes. As the precise location of this event is unknown, it may be in tandem or it may be located elsewhere in the genome. This variant has not been reported in the literature in individuals affected with GREM1-related conditions. In summary, the available evidence is currently insufficient to determine the role of this variant in disease. Therefore, it has been classified as a Variant of Uncertain Significance.

NC_000015.9:g.(?_32971947)_(33023446_?)dup

Genes: GREM1 (gremlin 1, DAN family BMP antagonist; plus strand), SCG5 (secretogranin V; plus strand). Cytogenetic location: 15q13.3.
Variant type: Duplication.
Identifiers: ClinVar variation 2425858 (VCV002425858.3).